The following is an entry in ClinVar:

ClinVar aggregate classification (germline): Uncertain significance. Review status: criteria provided, multiple submitters, no conflicts (2 of 4 stars). 2 submissions from 2 submitters: Uncertain significance (2). Last evaluated 2024-01-26.

Allele frequency attached by ClinVar (database versions not stated): gnomAD 0.00001.
gnomAD v4.1: 2 of 1,614,038 alleles (0.00012%); highest among the groups gnomAD compares: African/African-American, 0.0013%; no homozygotes.

Submissions (2):

Labcorp Genetics (formerly Invitae), Labcorp
Classification: Uncertain significance. Last evaluated: 2024-01-26. Review status: criteria provided, single submitter. Criteria: Invitae Variant Classification Sherloc (09022015). Collection method: clinical testing. Allele origin: germline.
Comment: This sequence change replaces alanine, which is neutral and non-polar, with threonine, which is neutral and polar, at codon 169 of the RNF43 protein (p.Ala169Thr). This variant is not present in population databases (gnomAD no frequency). This variant has not been reported in the literature in individuals affected with RNF43-related conditions. ClinVar contains an entry for this variant (Variation ID: 1052713). An algorithm developed to predict the effect of missense changes on protein structure and function (PolyPhen-2) suggests that this variant is likely to be disruptive. Experimental studies have shown that this missense change affects RNF43 function (PMID: 26350900, 36097219). In summary, the available evidence is currently insufficient to determine the role of this variant in disease. Therefore, it has been classified as a Variant of Uncertain Significance.

Institute for Clinical Genetics, University Hospital TU Dresden, University Hospital TU Dresden
Classification: Uncertain significance. Last evaluated: 2021-11-03. Review status: criteria provided, single submitter. Criteria: ACMG Guidelines, 2015. Collection method: clinical testing. Allele origin: germline.

Literature cited by the submitters: PubMed 26350900 (cited by Labcorp Genetics (formerly Invitae), Labcorp); PubMed 36097219 (cited by Labcorp Genetics (formerly Invitae), Labcorp).

NM_017763.6(RNF43):c.505G>A (p.Ala169Thr)

Gene: RNF43 (ring finger protein 43; minus strand). Cytogenetic location: 17q22.
Variant type: single nucleotide variant.
Coding change: c.505G>A on transcript NM_017763.6 (MANE Select); coding-DNA position 505, G replaced by A.
Protein change: p.Ala169Thr; replaces alanine 169 with threonine.
Molecular consequence: missense variant.
Genome position (GRCh38, 1-based): chr17:58,363,352, C>T on the plus strand (G>A on the coding strand, the complement: RNF43 is on the minus strand). VCF-style: chr17-58363352-C-T. GRCh37 (hg19) VCF-style: chr17-56440713-C-T.
Other names: c.505G>A, p.Ala169Thr (NM_001305544.3); c.124G>A, p.Ala42Thr (NM_001305545.2); short protein forms A169T, A42T.
Identifiers: ClinVar variation 1052713 (VCV001052713.9), dbSNP rs779337229, ClinGen allele CA292015206.